The following is an entry in ClinVar:

NM_002972.4(SBF1):c.2569+2T>C

Gene: SBF1 (SET binding factor 1; minus strand). Cytogenetic location: 22q13.33.
Variant type: single nucleotide variant.
Coding change: c.2569+2T>C on transcript NM_002972.4 (MANE Select); the canonical splice donor site of the intron after coding-DNA position 2569, T replaced by C.
Molecular consequence: splice donor variant.
Genome position (GRCh38, 1-based): chr22:50,461,945, A>G on the plus strand (T>C on the coding strand, the complement: SBF1 is on the minus strand). VCF-style: chr22-50461945-A-G. GRCh37 (hg19) VCF-style: chr22-50900374-A-G.
Other names: c.2569+2T>C (NM_001410795.1); c.2572+2T>C (NM_001365819.1, NM_001410794.1).
Identifiers: ClinVar variation 1805241 (VCV001805241.2), dbSNP rs2521943497, ClinGen allele CA412208889.

ClinVar aggregate classification (germline): Likely pathogenic (1 of 4 stars; one submission).

Conditions:
Charcot-Marie-Tooth disease type 4B3. Also called: CHARCOT-MARIE-TOOTH DISEASE, DEMYELINATING, TYPE 4B3; Charcot-Marie-Tooth Neuropathy Type 4B3. Identifiers: Orphanet 363981, MedGen C3695063, MONDO:0014117, OMIM 615284.

Submission:

Victorian Clinical Genetics Services, Murdoch Childrens Research Institute
Classification: Likely pathogenic for Charcot-Marie-Tooth disease type 4B3. Last evaluated: 2023-07-17. Review status: criteria provided, single submitter. Criteria: ACMG Guidelines, 2015. Collection method: clinical testing. Allele origin: germline. Inheritance: Autosomal recessive inheritance.
Comment: Based on the classification scheme VCGS_Germline_v1.3.4, this variant is classified as Likely Pathogenic. Following criteria are met: 0102 - Loss of function is a known mechanism of disease in this gene and is associated with Charcot-Marie-Tooth disease, type 4B3 (MIM#615284). (I) 0106 - This gene is associated with autosomal recessive disease. (I) 0211 - Canonical splice site variant without proven consequence on splicing (no functional evidence available). (SP) 0251 - This variant is heterozygous. (I) 0301 - Variant is absent from gnomAD (both v2 and v3). (SP) 0508 - In silico predictions for abnormal splicing are conflicting, however the nucleotide is highly conserved. (I) 0705 - No comparable splice site variants have previous evidence for pathogenicity. (I) 0807 - This variant has no previous evidence of pathogenicity. (I) 0905 - No published segregation evidence has been identified for this variant. (I) 1007 - No published functional evidence has been identified for this variant. (I) 1102 - Strong phenotype match for this individual. (SP) 1208 - Inheritance information for this variant is not currently available in this individual. (I) Legend: (SP) - Supporting pathogenic, (I) - Information, (SB) - Supporting benign